The following is an entry in ClinVar:

NM_025074.7(FRAS1):c.4771G>T (p.Asp1591Tyr)

Gene: FRAS1 (Fraser extracellular matrix complex subunit 1; plus strand). Cytogenetic location: 4q21.21.
Variant type: single nucleotide variant.
Coding change: c.4771G>T on transcript NM_025074.7 (MANE Select); coding-DNA position 4771, G replaced by T.
Protein change: p.Asp1591Tyr; replaces aspartic acid 1591 with tyrosine.
Molecular consequence: missense variant.
Genome position (GRCh38, 1-based): chr4:78,429,154, G>T. VCF-style: chr4-78429154-G-T. GRCh37 (hg19) VCF-style: chr4-79350308-G-T.
Other names: c.4771G>T (NM_025074.6); c.4771G>T, p.Asp1591Tyr (NM_001166133.2); short protein forms D1591Y.
Identifiers: ClinVar variation 2988047 (VCV002988047.4), dbSNP rs377033753, ClinGen allele CA2977324.
Genomic context (GRCh38, chr4:78,429,154, plus strand): 5'-GTTTCAGATGGAGAACACACAAGTCCGGAGATGGTCCTCACCATTCACTTACTTCCCAGT[G>T]ATCAGCAACTGCCAGTGTTCCAGGTCACAGCTCCACGGCTGGCGGTCAGCCCAGGAGGCA-3'
Protein context (NP_079350.5, residues 1581-1601): MVLTIHLLPS[Asp1591Tyr]QQLPVFQVTA

ClinVar aggregate classification (germline): Uncertain significance. Review status: criteria provided, multiple submitters, no conflicts (2 of 4 stars). 2 submissions from 2 submitters: Uncertain significance (2). Last evaluated 2026-01-07.

Conditions:
Inborn genetic diseases. Identifiers: MedGen C0950123, MeSH D030342.

Allele frequency attached by ClinVar (database versions not stated): ESP Exome Variant Server 0.00008; gnomAD exomes below 0.00001; ExAC 0.00003.
gnomAD v4.1: 2 of 1,592,362 alleles (0.00013%); highest among the groups gnomAD compares: Non-Finnish European, 0.00017%; no homozygotes.

Submissions (2):

Labcorp Genetics (formerly Invitae), Labcorp
Classification: Uncertain significance. Last evaluated: 2026-01-07. Review status: criteria provided, single submitter. Criteria: Invitae Variant Classification Sherloc (09022015). Collection method: clinical testing. Allele origin: germline.
Comment: This sequence change replaces aspartic acid, which is acidic and polar, with tyrosine, which is neutral and polar, at codon 1591 of the FRAS1 protein (p.Asp1591Tyr). The frequency data for this variant in the population databases is considered unreliable, as metrics indicate poor data quality at this position in the gnomAD database. This variant has not been reported in the literature in individuals affected with FRAS1-related conditions. ClinVar contains an entry for this variant (Variation ID: 2988047). Invitae Evidence Modeling of protein sequence and biophysical properties (such as structural, functional, and spatial information, amino acid conservation, physicochemical variation, residue mobility, and thermodynamic stability) indicates that this missense variant is expected to disrupt FRAS1 protein function with a positive predictive value of 80%. In summary, the available evidence is currently insufficient to determine the role of this variant in disease. Therefore, it has been classified as a Variant of Uncertain Significance.

Ambry Genetics
Classification: Uncertain significance for Inborn genetic diseases. Last evaluated: 2025-04-11. Review status: criteria provided, single submitter. Criteria: Ambry Variant Classification Scheme 2023. Collection method: clinical testing. Allele origin: germline.